The following is an entry in ClinVar:

NM_032228.6(FAR1):c.1258-11del

Gene: FAR1 (fatty acyl-CoA reductase 1; plus strand). Cytogenetic location: 11p15.3.
Variant type: Deletion.
Coding change: c.1258-11del on transcript NM_032228.6 (MANE Select); 11 bases into the intron before coding-DNA position 1258, one base deleted (T; older notation c.1258-11delT).
Molecular consequence: intron variant.
Genome position (GRCh38, 1-based): chr11:13,727,545, T deleted; the last of 7 consecutive T bases (chr11:13,727,539-13,727,545); deleting any one gives the same sequence. VCF-style (leftmost placement, unchanged base first): chr11-13727538-AT-A. GRCh37 (hg19) VCF-style: chr11-13749085-AT-A.
Other names: c.1078-11del (NM_001441246.1); c.1258-11delT (NM_032228.6); c.1267-11del (NM_001441242.1); c.1144-11del (NM_001441245.1); c.1243-11del (NM_001441243.1); c.1018-11del (NM_001441247.1); c.1213-11del (NM_001441244.1); c.961-11del (NM_001441248.1); and 2 more.
Identifiers: ClinVar variation 4535918 (VCV004535918.1).

ClinVar aggregate classification (germline): Likely benign (1 of 4 stars; one submission).

Submission:

Women's Health and Genetics/Laboratory Corporation of America, LabCorp
Classification: Likely benign. Last evaluated: 2025-09-02. Review status: criteria provided, single submitter. Criteria: LabCorp Variant Classification Summary - May 2015. Collection method: clinical testing. Allele origin: germline.
Comment: Variant summary: FAR1 c.1258-11delT alters a non-conserved nucleotide located at a position not widely known to affect splicing. Consensus agreement among computation tools predict no significant impact on normal splicing. However, these predictions have yet to be confirmed by functional studies. The frequency data for this variant in gnomAD is considered unreliable, as metrics indicate poor data quality at this position. To our knowledge, no occurrence of c.1258-11delT in individuals affected with FAR1-related conditions and no experimental evidence demonstrating its impact on protein function have been reported. No submitters have cited clinical-significance assessments for this variant to ClinVar. Based on the evidence outlined above, the variant was classified as likely benign.